The following is an entry in ClinVar:

ClinVar aggregate classification (germline): Uncertain significance (1 of 4 stars; one submission).

Allele frequency attached by ClinVar (database versions not stated): gnomAD 0.00008 and 0.00011; gnomAD exomes 0.00008 and 0.00010; TOPMed 0.00009; ExAC 0.00035.
gnomAD v4.1: 124 of 1,500,854 alleles (0.0083%); highest among the groups gnomAD compares: South Asian, 0.095%; no homozygotes.

Submission:

Labcorp Genetics (formerly Invitae), Labcorp
Classification: Uncertain significance. Last evaluated: 2021-09-25. Review status: criteria provided, single submitter. Criteria: Invitae Variant Classification Sherloc (09022015). Collection method: clinical testing. Allele origin: germline.
Comment: In summary, the available evidence is currently insufficient to determine the role of this variant in disease. Therefore, it has been classified as a Variant of Uncertain Significance. Algorithms developed to predict the effect of missense changes on protein structure and function output the following: SIFT: "Not Available"; PolyPhen-2: "Probably Damaging"; Align-GVGD: "Not Available". The tryptophan amino acid residue is found in multiple mammalian species, which suggests that this missense change does not adversely affect protein function. This variant has not been reported in the literature in individuals affected with AMH-related conditions. This variant is present in population databases (rs752375222, ExAC 0.2%). This sequence change replaces arginine with tryptophan at codon 117 of the AMH protein (p.Arg117Trp). The arginine residue is weakly conserved and there is a moderate physicochemical difference between arginine and tryptophan.

NM_000479.5(AMH):c.349C>T (p.Arg117Trp)

Gene: AMH (anti-Mullerian hormone; plus strand). Cytogenetic location: 19p13.3.
Variant type: single nucleotide variant.
Coding change: c.349C>T on transcript NM_000479.5 (MANE Select); coding-DNA position 349, C replaced by T.
Protein change: p.Arg117Trp; replaces arginine 117 with tryptophan.
Molecular consequence: missense variant.
Genome position (GRCh38, 1-based): chr19:2,249,681, C>T. VCF-style: chr19-2249681-C-T. GRCh37 (hg19) VCF-style: chr19-2249680-C-T.
Other names: short protein forms R117W.
Identifiers: ClinVar variation 1471944 (VCV001471944.5), dbSNP rs752375222, ClinGen allele CA9062812.